The following is an entry in ClinVar:

NM_005633.4(SOS1):c.782G>A (p.Gly261Asp)

Gene: SOS1 (SOS Ras/Rac guanine nucleotide exchange factor 1; minus strand). Cytogenetic location: 2p22.1.
Variant type: single nucleotide variant.
Coding change: c.782G>A on transcript NM_005633.4 (MANE Select); coding-DNA position 782, G replaced by A.
Protein change: p.Gly261Asp; replaces glycine 261 with aspartic acid.
Molecular consequence: missense variant.
Genome position (GRCh38, 1-based): chr2:39,051,226, C>T on the plus strand (G>A on the coding strand, the complement: SOS1 is on the minus strand). VCF-style: chr2-39051226-C-T. GRCh37 (hg19) VCF-style: chr2-39278367-C-T.
Other names: c.761G>A, p.Gly254Asp (NM_001382394.1); c.782G>A, p.Gly261Asp (NM_001382395.1); short protein forms G254D, G261D.
Identifiers: ClinVar variation 2969797 (VCV002969797.3), dbSNP rs2529155139, ClinGen allele CA346367725.
Genomic context (GRCh38, chr2:39,051,226, plus strand): 5'-CTTCCTACTAGTGGATGGGGACTGCCTTCATCTGTCATTTCTACTGTATCTTCTATATGG[C>T]CCAGTAACTTTACACTAAGTTCATGTATATCTACTATGCGACTAAATATATTTTCTACAT-3'
Protein context (NP_005624.2, residues 251-271): DIHELSVKLL[Gly261Asp]HIEDTVEMTD

ClinVar aggregate classification (germline): Uncertain significance (1 of 4 stars; one submission).

Conditions:
RASopathy. Also called: rasopathies; Noonan spectrum disorder. Identifiers: Orphanet 536391, MedGen C5555857, MONDO:0021060.

Allele frequency attached by ClinVar (database versions not stated): gnomAD exomes below 0.00001.
gnomAD v4.1: 2 of 1,611,780 alleles (0.00012%); highest among the groups gnomAD compares: Non-Finnish European, 0.00017%; no homozygotes.

Submission:

Labcorp Genetics (formerly Invitae), Labcorp
Classification: Uncertain significance for RASopathy. Last evaluated: 2023-05-21. Review status: criteria provided, single submitter. Criteria: Invitae Variant Classification Sherloc (09022015). Collection method: clinical testing. Allele origin: germline.
Comment: This sequence change replaces glycine, which is neutral and non-polar, with aspartic acid, which is acidic and polar, at codon 261 of the SOS1 protein (p.Gly261Asp). This variant is not present in population databases (gnomAD no frequency). In summary, the available evidence is currently insufficient to determine the role of this variant in disease. Therefore, it has been classified as a Variant of Uncertain Significance. Advanced modeling of protein sequence and biophysical properties (such as structural, functional, and spatial information, amino acid conservation, physicochemical variation, residue mobility, and thermodynamic stability) performed at Invitae indicates that this missense variant is expected to disrupt SOS1 protein function. This variant has not been reported in the literature in individuals affected with SOS1-related conditions.